The following is an entry in ClinVar:

NM_001005337.3(PKP1):c.605G>A (p.Arg202His)

Gene: PKP1 (plakophilin 1; plus strand). Cytogenetic location: 1q32.1.
Variant type: single nucleotide variant.
Coding change: c.605G>A on transcript NM_001005337.3 (MANE Select); coding-DNA position 605, G replaced by A.
Protein change: p.Arg202His; replaces arginine 202 with histidine.
Molecular consequence: missense variant.
Genome position (GRCh38, 1-based): chr1:201,313,464, G>A. VCF-style: chr1-201313464-G-A. GRCh37 (hg19) VCF-style: chr1-201282592-G-A.
Other names: c.605G>A, p.Arg202His (NM_000299.4); short protein forms R202H.
Identifiers: ClinVar variation 294809 (VCV000294809.29), dbSNP rs78314242, ClinGen allele CA1324132.
Genomic context (GRCh38, chr1:201,313,464, plus strand): 5'-ACCGCTACAGCTTTTACAGCACCTGCAGTGGTCAGAAGGCCATAAAGAAGTGCCCTGTGC[G>A]CCCGCCCTCTTGTGCCTCCAAGCAGGACCCTGTGTATATCCCGCCCATCTCCTGCAACAA-3'
Protein context (NP_001005337.1, residues 192-212): GQKAIKKCPV[Arg202His]PPSCASKQDP

ClinVar aggregate classification (germline): Likely benign. Review status: criteria provided, multiple submitters, no conflicts (2 of 4 stars). 6 submissions from 6 submitters: Likely benign (5). 1 of the submissions does not count toward it. Last evaluated 2025-08-31.

Conditions:
PKP1-related disorder. Also called: PKP1-related condition.
Epidermolysis bullosa simplex due to plakophilin deficiency. Also called: MCGRATH SYNDROME. Identifiers: Orphanet 158668, MedGen C1858302, MONDO:0011472, OMIM 604536.

Allele frequency attached by ClinVar (database versions not stated): 1000 Genomes Project 0.00120; 1000 Genomes Project 30x 0.00141; gnomAD exomes 0.00178 and 0.00299; ESP Exome Variant Server 0.00185; gnomAD 0.00190 and 0.00198; TOPMed 0.00194; ExAC 0.00223.

Submissions (6):

Labcorp Genetics (formerly Invitae), Labcorp
Classification: Likely benign. Last evaluated: 2025-08-31. Review status: criteria provided, single submitter. Criteria: Invitae Variant Classification Sherloc (09022015). Collection method: clinical testing. Allele origin: germline.

CeGaT Center for Human Genetics Tuebingen
Classification: Likely benign. Last evaluated: 2024-12-01. Review status: criteria provided, single submitter. Criteria: CeGaT Center For Human Genetics Tuebingen Variant Classification Criteria Version 2. Collection method: clinical testing. Allele origin: germline. Affected: yes. Observed: 1 variant allele.
Comment: PKP1: BP4

Fulgent Genetics
Classification: Likely benign for Epidermolysis bullosa simplex due to plakophilin deficiency. Last evaluated: 2022-05-27. Review status: criteria provided, single submitter. Criteria: ACMG Guidelines, 2015. Collection method: clinical testing. Allele origin: unknown.

Illumina Laboratory Services, Illumina
Classification: Likely benign for Epidermolysis bullosa simplex due to plakophilin deficiency. Last evaluated: 2018-01-12. Review status: criteria provided, single submitter. Criteria: ICSL Variant Classification Criteria 13 December 2019. Collection method: clinical testing. Allele origin: germline.
Comment: This variant was observed in the ICSL laboratory as part of a predisposition screen in an ostensibly healthy population. It had not been previously curated by ICSL or reported in the Human Gene Mutation Database (HGMD: prior to June 1st, 2018), and was therefore a candidate for classification through an automated scoring system. Utilizing variant allele frequency, disease prevalence and penetrance estimates, and inheritance mode, an automated score was calculated to assess if this variant is too frequent to cause the disease. Based on the score and internal cut-off values, a variant classified as likely benign is not then subjected to further curation. The score for this variant resulted in a classification of likely benign for this disease.

Breakthrough Genomics
Classification: Likely benign. Review status: criteria provided, single submitter. Criteria: ACMG Guidelines, 2015. Collection method: not provided. Allele origin: germline. Inheritance: Autosomal recessive inheritance. Affected: yes.

PreventionGenetics, part of Exact Sciences
Classification: Likely benign for PKP1-related condition. Last evaluated: 2024-08-23. Review status: no assertion criteria provided. Collection method: clinical testing. Allele origin: germline. Not counted in ClinVar's aggregate classification.
Comment: This variant is classified as likely benign based on ACMG/AMP sequence variant interpretation guidelines (Richards et al. 2015 PMID: 25741868, with internal and published modifications).